The following is an entry in ClinVar:

ClinVar aggregate classification (germline): Likely pathogenic (1 of 4 stars; one submission).

Conditions:
Bietti crystalline corneoretinal dystrophy (BCD). Also called: BIETTI TAPETORETINAL DEGENERATION WITH MARGINAL CORNEAL DYSTROPHY; Bietti Crystalline Dystrophy. Identifiers: Orphanet 41751, MedGen C1859486, MONDO:0008865, OMIM 210370.

Submission:

SingHealth Duke-NUS Institute of Precision Medicine
Classification: Likely pathogenic for Bietti crystalline corneoretinal dystrophy. Last evaluated: 2025-02-05. Review status: criteria provided, single submitter. Criteria: PRISM ACMG Classification Criteria. Collection method: clinical testing. Allele origin: germline. Affected: yes.
Comment: Variant is predicted to cause nonsense-mediated decay in a gene where LOF is a known cause of pathogenicity (PVS1). Variant is not found in gnomAD exomes and genomes (PM2).

NM_207352.4(CYP4V2):c.732G>A (p.Trp244Ter)

Gene: CYP4V2 (cytochrome P450 family 4 subfamily V member 2; plus strand). Cytogenetic location: 4q35.1.
Variant type: single nucleotide variant.
Coding change: c.732G>A on transcript NM_207352.4 (MANE Select); coding-DNA position 732, G replaced by A.
Protein change: p.Trp244Ter; replaces tryptophan 244 with a stop codon.
Molecular consequence: nonsense.
Genome position (GRCh38, 1-based): chr4:186,199,014, G>A. VCF-style: chr4-186199014-G-A. GRCh37 (hg19) VCF-style: chr4-187120168-G-A.
Other names: short protein forms W244*.
Identifiers: ClinVar variation 3767358 (VCV003767358.1).